The following is an entry in ClinVar:

ClinVar aggregate classification (germline): Uncertain significance (1 of 4 stars; one submission).

Allele frequency attached by ClinVar (database versions not stated): gnomAD exomes below 0.00001.
gnomAD v4.1: 1 of 1,176,518 alleles (0.000085%); highest among the groups gnomAD compares: South Asian, 0.002%; no homozygotes.

Submission:

Labcorp Genetics (formerly Invitae), Labcorp
Classification: Uncertain significance. Last evaluated: 2023-08-27. Review status: criteria provided, single submitter. Criteria: Invitae Variant Classification Sherloc (09022015). Collection method: clinical testing. Allele origin: germline.
Comment: This sequence change replaces glutamine, which is neutral and polar, with arginine, which is basic and polar, at codon 594 of the GRIA3 protein (p.Gln594Arg). This variant is not present in population databases (gnomAD no frequency). This variant has not been reported in the literature in individuals affected with GRIA3-related conditions. An algorithm developed to predict the effect of missense changes on protein structure and function (PolyPhen-2) suggests that this variant is likely to be disruptive. In summary, the available evidence is currently insufficient to determine the role of this variant in disease. Therefore, it has been classified as a Variant of Uncertain Significance.

NM_007325.5(GRIA3):c.1781A>G (p.Gln594Arg)

Gene: GRIA3 (glutamate ionotropic receptor AMPA type subunit 3; plus strand). Cytogenetic location: Xq25.
Variant type: single nucleotide variant.
Coding change: c.1781A>G on transcript NM_007325.5 (MANE Select); coding-DNA position 1781, A replaced by G.
Protein change: p.Gln594Arg; replaces glutamine 594 with arginine.
Molecular consequence: missense variant.
Genome position (GRCh38, 1-based): chrX:123,417,682, A>G. VCF-style: chrX-123417682-A-G. GRCh37 (hg19) VCF-style: chrX-122551533-A-G.
Other names: c.1781A>G, p.Gln594Arg (NM_000828.5); short protein forms Q594R.
Identifiers: ClinVar variation 2753867 (VCV002753867.3), dbSNP rs2521209608, ClinGen allele CA414257744.
Genomic context (GRCh38, chrX:123,417,682, plus strand): 5'-GCAGGTTCAGTCCTTATGAATGGCACTTGGAAGACAACAATGAAGAACCTCGTGACCCAC[A>G]AAGTCCTCCTGATCCTCCAAATGAATTTGGAATATTTAACAGTCTTTGGTTTTCCTTGGG-3'
Protein context (NP_015564.5, residues 584-604): EDNNEEPRDP[Gln594Arg]SPPDPPNEFG